The following is an entry in ClinVar:

ClinVar aggregate classification (germline): Likely pathogenic (1 of 4 stars; one submission).

Conditions:
Ciliary dyskinesia, primary, 36, X-linked (CILD36). Also called: CILIARY DYSKINESIA, PRIMARY, 36, WITH OR WITHOUT SITUS INVERSUS. Identifiers: MedGen C4478372, MONDO:0010517, OMIM 300991.

Submission:

3billion
Classification: Likely pathogenic for Ciliary dyskinesia, primary, 36, X-linked. Last evaluated: 2022-09-01. Review status: criteria provided, single submitter. Criteria: ACMG Guidelines, 2015. Collection method: clinical testing. Allele origin: germline. Affected: yes. Observed: 1 hemizygote.
Comment: The variant is not observed in the gnomAD v2.1.1 dataset. Canonical splice site is predicted to alter splicing and result in a loss or disruption of normal protein function. Therefore, this variant is classified as Likely pathogenic according to the recommendation of ACMG/AMP guideline.

NM_173494.2(DNAAF6):c.430-1G>A

Gene: DNAAF6 (dynein axonemal assembly factor 6; plus strand). Cytogenetic location: Xq22.3.
Variant type: single nucleotide variant.
Coding change: c.430-1G>A on transcript NM_173494.2 (MANE Select); the canonical splice acceptor site of the intron before coding-DNA position 430, G replaced by A.
Molecular consequence: splice acceptor variant.
Genome position (GRCh38, 1-based): chrX:107,238,921, G>A. VCF-style: chrX-107238921-G-A. GRCh37 (hg19) VCF-style: chrX-106482151-G-A.
Other names: c.430-1G>A (NM_001169154.2).
Identifiers: ClinVar variation 1705566 (VCV001705566.1), dbSNP rs2522808756, ClinGen allele CA413889803.
Genomic context (GRCh38, chrX:107,238,921, plus strand): 5'-TATTCTTCAAATTAATTGCTCTCCAAGATATCACTATTTTTCTTCTCATTTTCTCTTTCA[G>A]GCTAAAATTAAATTGCCAAATACAAACCCTTCTGATATTCAAATTGATATCCAGGAAACA-3'